The following is an entry in ClinVar:

NM_052947.4(ALPK2):c.4792C>A (p.Pro1598Thr)

Genes: ALPK2 (alpha kinase 2; minus strand), LOC126862764 (BRD4-independent group 4 enhancer GRCh37_chr18:56202574-56203773; plus strand). Cytogenetic location: 18q21.31.
Variant type: single nucleotide variant.
Coding change: c.4792C>A on transcript NM_052947.4 (MANE Select); coding-DNA position 4792, C replaced by A.
Protein change: p.Pro1598Thr; replaces proline 1598 with threonine.
Molecular consequence: missense variant.
Genome position (GRCh38, 1-based): chr18:58,535,395, G>T on the plus strand (C>A on the coding strand, the complement: ALPK2 is on the minus strand). VCF-style: chr18-58535395-G-T. GRCh37 (hg19) VCF-style: chr18-56202627-G-T.
Other names: short protein forms P1598T.
Identifiers: ClinVar variation 1743113 (VCV001743113.2), dbSNP rs992350913, ClinGen allele CA300926276.

ClinVar aggregate classification (germline): Uncertain significance (1 of 4 stars; one submission).

gnomAD v4.1: 2 of 1,614,180 alleles (0.00012%); highest among the groups gnomAD compares: South Asian, 0.0022%; no homozygotes.

Submission:

Ambry Genetics
Classification: Uncertain significance. Last evaluated: 2024-03-07. Review status: criteria provided, single submitter. Criteria: Ambry Variant Classification Scheme 2023. Collection method: clinical testing. Allele origin: germline.
Comment: The p.P1598T variant (also known as c.4792C>A), located in coding exon 4 of the ALPK2 gene, results from a C to A substitution at nucleotide position 4792. The proline at codon 1598 is replaced by threonine, an amino acid with highly similar properties. This amino acid position is conserved. In addition, this alteration is predicted to be tolerated by in silico analysis. Since supporting evidence is limited at this time, the clinical significance of this alteration remains unclear.